The following is an entry in ClinVar:

NM_001330078.2(NRXN1):c.601G>T (p.Glu201Ter)

Gene: NRXN1 (neurexin 1; minus strand). Cytogenetic location: 2p16.3.
Variant type: single nucleotide variant.
Coding change: c.601G>T on transcript NM_001330078.2 (MANE Select); coding-DNA position 601, G replaced by T.
Protein change: p.Glu201Ter; replaces glutamic acid 201 with a stop codon.
Molecular consequence: nonsense.
Genome position (GRCh38, 1-based): chr2:51,027,673, C>A on the plus strand (G>T on the coding strand, the complement: NRXN1 is on the minus strand). VCF-style: chr2-51027673-C-A. GRCh37 (hg19) VCF-style: chr2-51254811-C-A.
Other names: c.601G>T, p.Glu201Ter (NM_001135659.3, NM_001330077.2, NM_001330079.2 and 15 more transcripts); short protein forms E201*.
Identifiers: ClinVar variation 1451359 (VCV001451359.6), dbSNP rs756908062, ClinGen allele CA346823675.

ClinVar aggregate classification (germline): Pathogenic (1 of 4 stars; one submission).

Conditions:
Pitt-Hopkins-like syndrome 2 (PTHSL2). Identifiers: Orphanet 221150, Orphanet 600663, MedGen C3280479, MONDO:0013690, OMIM 614325.

Submission:

Labcorp Genetics (formerly Invitae), Labcorp
Classification: Pathogenic for Pitt-Hopkins-like syndrome 2. Last evaluated: 2022-06-14. Review status: criteria provided, single submitter. Criteria: Invitae Variant Classification Sherloc (09022015). Collection method: clinical testing. Allele origin: germline.
Comment: For these reasons, this variant has been classified as Pathogenic. This sequence change creates a premature translational stop signal (p.Glu201*) in the NRXN1 gene. It is expected to result in an absent or disrupted protein product. Loss-of-function variants in NRXN1 are known to be pathogenic (PMID: 19896112, 21964664, 23495017, 23533028, 25149956, 30031152). This variant is not present in population databases (gnomAD no frequency). This variant has not been reported in the literature in individuals affected with NRXN1-related conditions.

Literature cited by the submitters: PubMed 19896112; PubMed 21964664; PubMed 23495017; PubMed 23533028; PubMed 25149956; PubMed 30031152.